The following is an entry in ClinVar:

NM_032043.3(BRIP1):c.3266C>G (p.Ser1089Cys)

Gene: BRIP1 (BRCA1 interacting DNA helicase 1; minus strand). Cytogenetic location: 17q23.2.
Variant type: single nucleotide variant.
Coding change: c.3266C>G on transcript NM_032043.3 (MANE Select); coding-DNA position 3266, C replaced by G.
Protein change: p.Ser1089Cys; replaces serine 1089 with cysteine.
Molecular consequence: missense variant.
Genome position (GRCh38, 1-based): chr17:61,683,780, G>C on the plus strand (C>G on the coding strand, the complement: BRIP1 is on the minus strand). VCF-style: chr17-61683780-G-C. GRCh37 (hg19) VCF-style: chr17-59761141-G-C.
Other names: short protein forms S1089C.
Identifiers: ClinVar variation 219865 (VCV000219865.17), dbSNP rs761278503, ClinGen allele CA349425.

ClinVar aggregate classification (germline): Conflicting classifications of pathogenicity. Review status: criteria provided, conflicting classifications (1 of 4 stars). 3 submissions from 3 submitters: Uncertain significance (1); Likely benign (1). 1 of the submissions does not count toward it. Last evaluated 2025-05-23.

Conditions:
Hereditary cancer-predisposing syndrome. Also called: Tumor predisposition; Hereditary neoplastic syndrome; Neoplastic Syndromes, Hereditary; Hereditary Cancer Syndrome. Identifiers: Orphanet 140162, MedGen C0027672, MeSH D009386, MONDO:0015356.
Fanconi anemia complementation group J. Also called: BRIP1-Related Fanconi Anemia. Identifiers: Orphanet 84, MedGen C1836860, MONDO:0012187, OMIM 609054.
Familial cancer of breast. Also called: hereditary breast carcinoma; Hereditary breast cancer; BREAST CANCER, FAMILIAL. Identifiers: Orphanet 227535, MedGen C0346153, MONDO:0016419, OMIM 114480. Disease mechanism: loss of function.

gnomAD v4.1: 4 of 1,614,184 alleles (0.00025%); highest among the groups gnomAD compares: Non-Finnish European, 0.00025%; no homozygotes.

Submissions (3):

Ambry Genetics
Classification: Likely benign for Hereditary cancer-predisposing syndrome. Last evaluated: 2025-05-23. Review status: criteria provided, single submitter. Criteria: Ambry Variant Classification Scheme 2023. Collection method: clinical testing. Allele origin: germline.

Labcorp Genetics (formerly Invitae), Labcorp
Classification: Uncertain significance for Familial cancer of breast; Fanconi anemia complementation group J. Last evaluated: 2023-12-10. Review status: criteria provided, single submitter. Criteria: Invitae Variant Classification Sherloc (09022015). Collection method: clinical testing. Allele origin: germline.
Comment: This sequence change replaces serine, which is neutral and polar, with cysteine, which is neutral and slightly polar, at codon 1089 of the BRIP1 protein (p.Ser1089Cys). This variant is not present in population databases (gnomAD no frequency). This missense change has been observed in individual(s) with prostate cancer (PMID: 31214711). ClinVar contains an entry for this variant (Variation ID: 219865). An algorithm developed to predict the effect of missense changes on protein structure and function (PolyPhen-2) suggests that this variant is likely to be tolerated. In summary, the available evidence is currently insufficient to determine the role of this variant in disease. Therefore, it has been classified as a Variant of Uncertain Significance.

Leiden Open Variation Database
Classification: Uncertain significance. Last evaluated: 2019-08-13. Review status: no assertion criteria provided. Collection method: curation. Allele origin: germline. Affected: yes. Not counted in ClinVar's aggregate classification.
Comment: Curator: Arleen D. Auerbach. Submitter to LOVD: Yukihide Momozawa.

Literature cited by the submitters: PubMed 31214711 (cited by Labcorp Genetics (formerly Invitae), Labcorp and Leiden Open Variation Database).